The following is an entry in ClinVar:

ClinVar aggregate classification (germline): Uncertain significance. Review status: criteria provided, multiple submitters, no conflicts (2 of 4 stars). 2 submissions from 2 submitters: Uncertain significance (2). Last evaluated 2026-10-01.

Conditions:
Gamma-aminobutyric acid transaminase deficiency (GABATD). Also called: GABA aminotransaminase deficiency; GABA transaminase deficiency; Gamma aminobutyrate transaminase deficiency; 4 alpha aminobutyrate transaminase deficiency. Identifiers: Orphanet 2066, MedGen C0342708, MONDO:0013166, OMIM 613163.

Allele frequency attached by ClinVar (database versions not stated): TOPMed 0.00005; gnomAD 0.00007 and 0.00009; ESP Exome Variant Server 0.00015; gnomAD exomes 0.00001; ExAC 0.00002.
gnomAD v4.1: 32 of 1,614,188 alleles (0.002%); highest among the groups gnomAD compares: African/African-American, 0.015%; no homozygotes.

Submissions (2):

CeGaT Center for Human Genetics Tuebingen
Classification: Uncertain significance. Last evaluated: 2026-10-01. Review status: criteria provided, single submitter. Criteria: CeGaT Center For Human Genetics Tuebingen Variant Classification Criteria Version 2. Collection method: clinical testing. Allele origin: germline. Affected: yes. Observed: 1 variant allele.
Comment: ABAT: PM2, BP4

Labcorp Genetics (formerly Invitae), Labcorp
Classification: Uncertain significance for Gamma-aminobutyric acid transaminase deficiency. Last evaluated: 2022-06-25. Review status: criteria provided, single submitter. Criteria: Invitae Variant Classification Sherloc (09022015). Collection method: clinical testing. Allele origin: germline.
Comment: This sequence change replaces isoleucine, which is neutral and non-polar, with valine, which is neutral and non-polar, at codon 449 of the ABAT protein (p.Ile449Val). The frequency data for this variant in the population databases is considered unreliable, as metrics indicate poor data quality at this position in the gnomAD database. This variant has not been reported in the literature in individuals affected with ABAT-related conditions. Algorithms developed to predict the effect of missense changes on protein structure and function output the following: SIFT: "Tolerated"; PolyPhen-2: "Benign"; Align-GVGD: "Class C0". The valine amino acid residue is found in multiple mammalian species, which suggests that this missense change does not adversely affect protein function. Algorithms developed to predict the effect of sequence changes on RNA splicing suggest that this variant may create or strengthen a splice site. In summary, the available evidence is currently insufficient to determine the role of this variant in disease. Therefore, it has been classified as a Variant of Uncertain Significance.

NM_020686.6(ABAT):c.1345A>G (p.Ile449Val)

Gene: ABAT (4-aminobutyrate aminotransferase; plus strand). Cytogenetic location: 16p13.2.
Variant type: single nucleotide variant.
Coding change: c.1345A>G on transcript NM_020686.6 (MANE Select); coding-DNA position 1345, A replaced by G.
Protein change: p.Ile449Val; replaces isoleucine 449 with valine.
Molecular consequence: missense variant. On other transcripts: intron variant (1).
Genome position (GRCh38, 1-based): chr16:8,779,554, A>G. VCF-style: chr16-8779554-A-G. GRCh37 (hg19) VCF-style: chr16-8873411-A-G.
Other names: c.1345A>G, p.Ile449Val (NM_000663.5, NM_001127448.2, NM_001386600.1 and 5 more transcripts); c.1147A>G, p.Ile383Val (NM_001386613.1, NM_001386612.1); c.1099A>G, p.Ile367Val (NM_001386614.1); c.1441A>G, p.Ile481Val (NM_001386615.1); c.1270-1755A>G (NM_001386609.1); c.1306A>G, p.Ile436Val (NM_001386605.1); c.1282A>G, p.Ile428Val (NM_001386606.1, NM_001386607.1); c.1252A>G, p.Ile418Val (NM_001386608.1); and 1 more; short protein forms I367V, I428V, I449V, I404V, I436V, I418V, I481V, I383V.
Identifiers: ClinVar variation 1442627 (VCV001442627.8), dbSNP rs147782370, ClinGen allele CA7893526.